The following is an entry in ClinVar:

NM_001873.4(CPE):c.63G>C (p.Trp21Cys)

Genes: CPE (carboxypeptidase E; plus strand), LOC129993339 (ATAC-STARR-seq lymphoblastoid silent region 15785; plus strand). Cytogenetic location: 4q32.3.
Variant type: single nucleotide variant.
Coding change: c.63G>C on transcript NM_001873.4 (MANE Select); coding-DNA position 63, G replaced by C.
Protein change: p.Trp21Cys; replaces tryptophan 21 with cysteine.
Molecular consequence: missense variant.
Genome position (GRCh38, 1-based): chr4:165,379,284, G>C. VCF-style: chr4-165379284-G-C. GRCh37 (hg19) VCF-style: chr4-166300436-G-C.
Other names: short protein forms W21C.
Identifiers: ClinVar variation 4983034 (VCV004983034.1).

ClinVar aggregate classification (germline): Uncertain significance (1 of 4 stars; one submission).

Conditions:
CPE-related disorder. Also called: CPE-related condition.

gnomAD v4.1: 2 of 1,479,482 alleles (0.00014%); highest among the groups gnomAD compares: Non-Finnish European, 0.00018%; no homozygotes.

Submission:

PreventionGenetics, part of Exact Sciences
Classification: Uncertain significance for CPE-related condition. Last evaluated: 2024-11-15. Review status: criteria provided, single submitter. Criteria: ACMG Guidelines, 2015. Collection method: clinical testing. Allele origin: germline.
Comment: The CPE c.63G>C variant is predicted to result in the amino acid substitution p.Trp21Cys. To our knowledge, this variant has not been reported in the literature or in a large population database (gnomAD), indicating this variant is rare. At this time, the clinical significance of this variant is uncertain due to the absence of conclusive functional and genetic evidence.